The following is an entry in ClinVar:

NM_022552.5(DNMT3A):c.2729C>T (p.Ala910Val)

Gene: DNMT3A (DNA methyltransferase 3 alpha; minus strand). Cytogenetic location: 2p23.3.
Variant type: single nucleotide variant.
Coding change: c.2729C>T on transcript NM_022552.5 (MANE Select); coding-DNA position 2729, C replaced by T.
Protein change: p.Ala910Val; replaces alanine 910 with valine.
Molecular consequence: missense variant. On other transcripts: non-coding transcript variant (1).
Genome position (GRCh38, 1-based): chr2:25,234,289, G>A on the plus strand (C>T on the coding strand, the complement: DNMT3A is on the minus strand). VCF-style: chr2-25234289-G-A. GRCh37 (hg19) VCF-style: chr2-25457158-G-A.
Other names: c.2273C>T, p.Ala758Val (NM_001320893.1); c.2060C>T, p.Ala687Val (NM_001375819.1); c.2162C>T, p.Ala721Val (NM_153759.3); c.2729C>T, p.Ala910Val (NM_175629.2); short protein forms A687V, A721V, A758V, A910V.
Identifiers: ClinVar variation 1706365 (VCV001706365.4), dbSNP rs1459396018, ClinGen allele CA346068008.
Genomic context (GRCh38, chr2:25,234,289, plus strand): 5'-TGTTTGTTTGTTTAACTTTGTGTCGCTACCTCAGTTTGCCCCCATGTCCCTTACACACAC[G>A]CAAAATACTCCTTCAGCGGAGCGAAGAGGTGGCGGATGACTGGCACGCTCCATGACCGGC-3'
Protein context (NP_072046.2, residues 900-912): HLFAPLKEYF[Ala910Val]CV

ClinVar aggregate classification (germline): Uncertain significance. Review status: criteria provided, multiple submitters, no conflicts (2 of 4 stars). 2 submissions from 2 submitters: Uncertain significance (2). Last evaluated 2024-08-24.

Conditions:
Tatton-Brown-Rahman overgrowth syndrome. Also called: Tall stature-intellectual disability-facial dysmorphism syndrome; Tatton-Brown-Rahman syndrome. Identifiers: Orphanet 404443, MedGen C4014545, MONDO:0014382, OMIM 615879.

Allele frequency attached by ClinVar (database versions not stated): gnomAD 0.00001; gnomAD exomes 0.00001.
gnomAD v4.1: 11 of 1,612,994 alleles (0.00068%); highest among the groups gnomAD compares: East Asian, 0.0022%; no homozygotes.

Submissions (2):

Labcorp Genetics (formerly Invitae), Labcorp
Classification: Uncertain significance for Tatton-Brown-Rahman overgrowth syndrome. Last evaluated: 2024-08-24. Review status: criteria provided, single submitter. Criteria: Invitae Variant Classification Sherloc (09022015). Collection method: clinical testing. Allele origin: germline.
Comment: This sequence change replaces alanine, which is neutral and non-polar, with valine, which is neutral and non-polar, at codon 910 of the DNMT3A protein (p.Ala910Val). This variant is present in population databases (no rsID available, gnomAD 0.003%). This variant has not been reported in the literature in individuals affected with DNMT3A-related conditions. ClinVar contains an entry for this variant (Variation ID: 1706365). Invitae Evidence Modeling of protein sequence and biophysical properties (such as structural, functional, and spatial information, amino acid conservation, physicochemical variation, residue mobility, and thermodynamic stability) has been performed for this missense variant. However, the output from this modeling did not meet the statistical confidence thresholds required to predict the impact of this variant on DNMT3A protein function. In summary, the available evidence is currently insufficient to determine the role of this variant in disease. Therefore, it has been classified as a Variant of Uncertain Significance.

GeneDx
Classification: Uncertain significance. Last evaluated: 2022-03-18. Review status: criteria provided, single submitter. Criteria: GeneDx Variant Classification Process June 2021. Collection method: clinical testing. Allele origin: germline. Affected: yes.
Comment: In silico analysis supports that this missense variant has a deleterious effect on protein structure/function; Has not been previously published as a pathogenic or benign germline variant to our knowledge; This variant is associated with the following publications: (PMID: 21993668, 23507483, 34384602, 27062340, 24923295)